The following is an entry in ClinVar:

ClinVar aggregate classification (germline): Uncertain significance (1 of 4 stars; one submission).

Submission:

GeneDx
Classification: Uncertain significance. Last evaluated: 2016-11-22. Review status: criteria provided, single submitter. Criteria: GeneDx Variant Classification (06012015). Collection method: clinical testing. Allele origin: germline. Affected: yes.
Comment: The Q394E variant has not been published as a pathogenic variant, nor has it been reported as a benign variant to our knowledge. The Q394E variant was not observed in approximately 6500 individuals of European and African American ancestry in the NHLBI Exome Sequencing Project, indicating it is not a common benign variant in these populations. The Q394E variant is a semi-conservative amino acid substitution, which may impact secondary protein structure as these residues differ in some properties. This substitution occurs at a position that is conserved across species. In silico analysis predicts this variant is probably damaging to the protein structure/function.

NM_004959.5(NR5A1):c.1180C>G (p.Gln394Glu)

Gene: NR5A1 (nuclear receptor subfamily 5 group A member 1; minus strand). Cytogenetic location: 9q33.3.
Variant type: single nucleotide variant.
Coding change: c.1180C>G on transcript NM_004959.5 (MANE Select); coding-DNA position 1180, C replaced by G.
Protein change: p.Gln394Glu; replaces glutamine 394 with glutamic acid.
Molecular consequence: missense variant.
Genome position (GRCh38, 1-based): chr9:124,482,964, G>C on the plus strand (C>G on the coding strand, the complement: NR5A1 is on the minus strand). VCF-style: chr9-124482964-G-C. GRCh37 (hg19) VCF-style: chr9-127245243-G-C.
Other names: short protein forms Q394E.
Identifiers: ClinVar variation 373589 (VCV000373589.1), dbSNP rs1057518497, ClinGen allele CA16042758.
Genomic context (GRCh38, chr9:124,482,964, plus strand): 5'-CCCCGCAGTGCGGGTAGTGGCACAGGGTGTAGTCAAGCAGGGCGGCGTTGGCCTTCTCCT[G>C]AGCGTCTTTCACCAGGATGTGGTTATTCAGGAACTTCAAATCTGCAAAGGGAGGTTCTCG-3'
Protein context (NP_004950.2, residues 384-404): LNNHILVKDA[Gln394Glu]EKANAALLDY